The following is an entry in ClinVar:

NM_014989.7(RIMS1):c.1395A>C (p.Lys465Asn)

Gene: RIMS1 (regulating synaptic membrane exocytosis 1; plus strand). Cytogenetic location: 6q13.
Variant type: single nucleotide variant.
Coding change: c.1395A>C on transcript NM_014989.7 (MANE Select); coding-DNA position 1395, A replaced by C.
Protein change: p.Lys465Asn; replaces lysine 465 with asparagine.
Molecular consequence: missense variant.
Genome position (GRCh38, 1-based): chr6:72,182,866, A>C. VCF-style: chr6-72182866-A-C. GRCh37 (hg19) VCF-style: chr6-72892569-A-C.
Other names: short protein forms K465N.
Identifiers: ClinVar variation 2121680 (VCV002121680.4), dbSNP rs1250371485, ClinGen allele CA364821203.
Genomic context (GRCh38, chr6:72,182,866, plus strand): 5'-GAACCACAGCCCGCCGGCGCCCAGACATGGGCCGGTTCCCGCAGAAGCCCCGGAGCTCAA[A>C]GCCCAGGAGCCCCTCAGGAAGCAGAGCCGCCTGGACCCCAGCTCGGCGGTCCTCATGCGG-3'
Protein context (NP_055804.2, residues 455-475): GPVPAEAPEL[Lys465Asn]AQEPLRKQSR

ClinVar aggregate classification (germline): Uncertain significance (1 of 4 stars; one submission).

Allele frequency attached by ClinVar (database versions not stated): TOPMed 0.00001.

Submission:

Labcorp Genetics (formerly Invitae), Labcorp
Classification: Uncertain significance. Last evaluated: 2022-10-12. Review status: criteria provided, single submitter. Criteria: Invitae Variant Classification Sherloc (09022015). Collection method: clinical testing. Allele origin: germline.
Comment: In summary, the available evidence is currently insufficient to determine the role of this variant in disease. Therefore, it has been classified as a Variant of Uncertain Significance. Algorithms developed to predict the effect of missense changes on protein structure and function (SIFT, PolyPhen-2, Align-GVGD) all suggest that this variant is likely to be tolerated. This variant has not been reported in the literature in individuals affected with RIMS1-related conditions. This variant is not present in population databases (gnomAD no frequency). This sequence change replaces lysine, which is basic and polar, with asparagine, which is neutral and polar, at codon 465 of the RIMS1 protein (p.Lys465Asn).